The following is an entry in ClinVar:

ClinVar aggregate classification (germline): Likely benign. Review status: criteria provided, multiple submitters, no conflicts (2 of 4 stars). 4 submissions from 4 submitters: Likely benign (4). Last evaluated 2026-05-01.

Conditions:
Cardiovascular phenotype. Identifiers: MedGen CN230736.

Allele frequency attached by ClinVar (database versions not stated): TOPMed below 0.00001; gnomAD 0.00001; gnomAD exomes 0.00002.
gnomAD v4.1: 24 of 1,549,126 alleles (0.0015%); highest among the groups gnomAD compares: South Asian, 0.0036%; no homozygotes.

Submissions (4):

CeGaT Center for Human Genetics Tuebingen
Classification: Likely benign. Last evaluated: 2026-05-01. Review status: criteria provided, single submitter. Criteria: CeGaT Center For Human Genetics Tuebingen Variant Classification Criteria Version 2. Collection method: clinical testing. Allele origin: germline. Affected: yes. Observed: 1 variant allele.
Comment: ZNF469: BP4, BP7

Women's Health and Genetics/Laboratory Corporation of America, LabCorp
Classification: Likely benign. Last evaluated: 2025-10-16. Review status: criteria provided, single submitter. Criteria: LabCorp Variant Classification Summary - May 2015. Collection method: clinical testing. Allele origin: germline.

Labcorp Genetics (formerly Invitae), Labcorp
Classification: Likely benign. Last evaluated: 2025-04-27. Review status: criteria provided, single submitter. Criteria: Invitae Variant Classification Sherloc (09022015). Collection method: clinical testing. Allele origin: germline.

Ambry Genetics
Classification: Likely benign for Cardiovascular phenotype. Last evaluated: 2020-12-05. Review status: criteria provided, single submitter. Criteria: Ambry Variant Classification Scheme 2023. Collection method: clinical testing. Allele origin: germline.

NM_001367624.2(ZNF469):c.8943C>T (p.Asp2981=)

Gene: ZNF469 (zinc finger protein 469; plus strand). Cytogenetic location: 16q24.2.
Variant type: single nucleotide variant.
Coding change: c.8943C>T on transcript NM_001367624.2 (MANE Select); coding-DNA position 8943, C replaced by T.
Protein change: p.Asp2981=; no amino-acid change (aspartic acid 2981 retained).
Molecular consequence: synonymous variant.
Genome position (GRCh38, 1-based): chr16:88,436,413, C>T. VCF-style: chr16-88436413-C-T. GRCh37 (hg19) VCF-style: chr16-88502821-C-T.
Other names: NM_001127464.1:c.8859C>T.
Identifiers: ClinVar variation 1764895 (VCV001764895.10), dbSNP rs1296383384, ClinGen allele CA497357966.